The following is an entry in ClinVar:

ClinVar aggregate classification (germline): Likely benign. Review status: criteria provided, multiple submitters, no conflicts (2 of 4 stars). 3 submissions from 3 submitters: Likely benign (3). Last evaluated 2026-06-01.

Conditions:
Primary ciliary dyskinesia. Also called: Ciliary dyskinesia. Identifiers: Orphanet 244, MedGen C0008780, MONDO:0016575, HP:0012265.

Allele frequency attached by ClinVar (database versions not stated): TOPMed 0.00002; gnomAD exomes 0.00004 and 0.00006; ExAC 0.00005; 1000 Genomes Project 30x 0.00016; 1000 Genomes Project 0.00020.
gnomAD v4.1: 39 of 1,614,022 alleles (0.0024%); highest among the groups gnomAD compares: Admixed American, 0.057%; no homozygotes.

Submissions (3):

CeGaT Center for Human Genetics Tuebingen
Classification: Likely benign. Last evaluated: 2026-06-01. Review status: criteria provided, single submitter. Criteria: CeGaT Center For Human Genetics Tuebingen Variant Classification Criteria Version 2. Collection method: clinical testing. Allele origin: germline. Affected: yes. Observed: 1 variant allele.
Comment: DNAH5: BP4, BP7

Labcorp Genetics (formerly Invitae), Labcorp
Classification: Likely benign for Primary ciliary dyskinesia. Last evaluated: 2026-01-11. Review status: criteria provided, single submitter. Criteria: Invitae Variant Classification Sherloc (09022015). Collection method: clinical testing. Allele origin: germline.

Ambry Genetics
Classification: Likely benign for Primary ciliary dyskinesia. Last evaluated: 2015-02-12. Review status: criteria provided, single submitter. Criteria: Ambry Variant Classification Scheme 2023. Collection method: clinical testing. Allele origin: germline.

NM_001369.3(DNAH5):c.8748C>T (p.Leu2916=)

Gene: DNAH5 (dynein axonemal heavy chain 5; minus strand). Cytogenetic location: 5p15.2.
Variant type: single nucleotide variant.
Coding change: c.8748C>T on transcript NM_001369.3 (MANE Select); coding-DNA position 8748, C replaced by T.
Protein change: p.Leu2916=; no amino-acid change (leucine 2916 retained).
Molecular consequence: synonymous variant.
Genome position (GRCh38, 1-based): chr5:13,786,251, G>A on the plus strand (C>T on the coding strand, the complement: DNAH5 is on the minus strand). VCF-style: chr5-13786251-G-A. GRCh37 (hg19) VCF-style: chr5-13786360-G-A.
Identifiers: ClinVar variation 525475 (VCV000525475.16), dbSNP rs556119081, ClinGen allele CA3202751.